The following is an entry in ClinVar:

NM_001385012.1(NBEA):c.8542C>T (p.Arg2848Cys)

Gene: NBEA (neurobeachin; plus strand). Cytogenetic location: 13q13.3.
Variant type: single nucleotide variant.
Coding change: c.8542C>T on transcript NM_001385012.1 (MANE Select); coding-DNA position 8542, C replaced by T.
Protein change: p.Arg2848Cys; replaces arginine 2848 with cysteine.
Molecular consequence: missense variant.
Genome position (GRCh38, 1-based): chr13:35,667,451, C>T. VCF-style: chr13-35667451-C-T. GRCh37 (hg19) VCF-style: chr13-36241588-C-T.
Other names: p.Arg2827Cys; c.1858C>T, p.Arg620Cys (NM_001204197.3); c.8533C>T, p.Arg2845Cys (NM_001379245.1); c.8479C>T, p.Arg2827Cys (NM_015678.5); short protein forms R2827C, R2845C, R2848C, R620C.
Identifiers: ClinVar variation 2434043 (VCV002434043.5), dbSNP rs200699050, ClinGen allele CA6947998.
Genomic context (GRCh38, chr13:35,667,451, plus strand): 5'-CACACCATCACTGGAGATTTGCTGAGAGCCCTTGAAGGACCAGAAAACTGCTTATTCCCA[C>T]GCTTGATATCTGTCTCCAGCGAAGGCCACTGTATCATATACTATGAACGAGGGCGATTCA-3'
Protein context (NP_001371941.1, residues 2838-2858): LEGPENCLFP[Arg2848Cys]LISVSSEGHC

ClinVar aggregate classification (germline): Conflicting classifications of pathogenicity. Review status: criteria provided, conflicting classifications (1 of 4 stars). 3 submissions from 3 submitters: Uncertain significance (1); Likely benign (2). Last evaluated 2025-06-05.

Conditions:
Inborn genetic diseases. Identifiers: MedGen C0950123, MeSH D030342.
Neurodevelopmental disorder with or without early-onset generalized epilepsy. Identifiers: MedGen C5436914, MONDO:0030930, OMIM 619157.

Allele frequency attached by ClinVar (database versions not stated): ExAC 0.00005; gnomAD 0.00008; TOPMed 0.00009; ESP Exome Variant Server 0.00025.
gnomAD v4.1: 45 of 1,613,824 alleles (0.0028%); highest among the groups gnomAD compares: African/African-American, 0.02%; no homozygotes.

Submissions (3):

Mayo Clinic Laboratories, Mayo Clinic
Classification: Likely benign. Last evaluated: 2025-06-05. Review status: criteria provided, single submitter. Criteria: ACMG Guidelines, 2015. Collection method: clinical testing. Allele origin: germline. Observed: 1 variant allele.
Comment: BS1, BP4

Ambry Genetics
Classification: Likely benign for Inborn genetic diseases. Last evaluated: 2024-10-01. Review status: criteria provided, single submitter. Criteria: Ambry Variant Classification Scheme 2023. Collection method: clinical testing. Allele origin: germline.

Revvity Omics, Revvity
Classification: Uncertain significance for Neurodevelopmental disorder with or without early-onset generalized epilepsy. Last evaluated: 2021-10-06. Review status: criteria provided, single submitter. Criteria: ACMG Guidelines, 2015. Collection method: clinical testing. Allele origin: germline.